The following is an entry in ClinVar:

ClinVar aggregate classification (germline): Uncertain significance. Review status: reviewed by expert panel (3 of 4 stars). 48 submissions from 41 submitters: Uncertain significance (1). 47 of the submissions do not count toward it. Last evaluated 2026-01-27.

Conditions:
Age-related macular degeneration (ARMD). Also called: MACULAR DEGENERATION, AGE-RELATED, REDUCED RISK OF. Identifiers: MedGen C0242383, MONDO:0005150.
Cone-rod dystrophy 3 (CORD3). Identifiers: Orphanet 1872, MedGen C1858806, MONDO:0011395, OMIM 604116.
Retinitis pigmentosa 19 (RP19). Also called: ABCA4-Related Retinitis Pigmentosa. Identifiers: Orphanet 791, MedGen C1866422, MONDO:0011137, OMIM 601718.
autosomal recessive ABCA4-related retinopathy.
ABCA4-related retinopathy. Also called: ABCA4 retinoapthy; ABCA4-related retinoapthy. Identifiers: MedGen CN322612, MONDO:0800406.
ABCA4-related disorder. Also called: ABCA4-related disorders; ABCA4-related condition. Identifiers: MedGen CN239167.
Severe early-childhood-onset retinal dystrophy (STGD1). Also called: MACULAR DYSTROPHY WITH FLECKS, TYPE 1; Stargardt macular dystrophy; Juvenile onset macular degeneration; Stargardt disease 1; STGD. Identifiers: Orphanet 364055, Orphanet 827, MedGen C1855465, MeSH D000080362, MONDO:0009549, OMIM 248200.
Inborn genetic diseases. Identifiers: MedGen C0950123, MeSH D030342.
Retinal dystrophy. Also called: Inherited retinal dystrophy. Identifiers: Orphanet 71862, MedGen C0854723, MeSH D058499, MONDO:0019118, HP:0000556.
Age related macular degeneration 2. Also called: MACULAR DEGENERATION, SENILE; MACULOPATHY, AGE-RELATED, 2; MACULOPATHY, AGE-RELATED. Identifiers: MedGen C3495438, MONDO:0007932, OMIM 153800.
Retinitis pigmentosa (RP). Identifiers: Orphanet 791, MedGen C0035334, MeSH D012174, MONDO:0019200, OMIM 268000. Inheritance: Autosomal dominant, autosomal recessive and X linked inheritance.
Stargardt disease (FFM). Also called: Stargardt's disease; Fundus flavimaculatus. Identifiers: Orphanet 827, MedGen C0271093, MONDO:0019353.
Cone-rod dystrophy. Also called: Cone-rod degeneration; Cone/cone-rod dystrophy. Identifiers: Orphanet 1872, MedGen C4085590, MONDO:0015993, HP:0000548.
Stargardt disease 3. Also called: MACULAR DYSTROPHY WITH FLECKS, TYPE 3; STARGARDT-LIKE MACULAR DYSTROPHY, AUTOSOMAL DOMINANT. Identifiers: Orphanet 827, MedGen C1838644, MONDO:0010819, OMIM 600110.
Abnormal macular morphology. Identifiers: MedGen C4520679, HP:0001103.
Peripheral neuropathy. Also called: Neuropathy. Identifiers: MedGen C0031117, MONDO:0005244, HP:0009830.
Retinal disorder. Also called: Retinopathies; Retinal Diseases; Retinal disorders; Retinopathy. Identifiers: MedGen C0035309, MONDO:0005283, HP:0000488.

Allele frequency attached by ClinVar (database versions not stated): 1000 Genomes Project 0.00120; 1000 Genomes Project 30x 0.00141; gnomAD 0.00445 and 0.00427; gnomAD exomes 0.00740; ExAC 0.00507; TOPMed 0.00394; ESP Exome Variant Server 0.00523.
gnomAD v4.1: 11,375 of 1,612,312 alleles (0.71%); highest among the groups gnomAD compares: Non-Finnish European, 0.89%; 46 homozygotes.

Submissions 1 to 5 of 53:

ClinGen ABCA4 Variant Curation Expert Panel, Clingen
Classification: Uncertain significance for ABCA4-related retinopathy. Last evaluated: 2026-01-27. Review status: reviewed by expert panel. Criteria: ClinGen ABCA4 ACMG Specifications V1.0.0. Collection method: curation. Allele origin: germline. Inheritance: Autosomal recessive inheritance.
Comment: The NM_000350.3(ABCA4):c.2588G>C variant in ABCA4 is a missense variant predicted to cause substitution of glycine by alanine at amino acid 863; p.Gly863Ala. The computational predictor REVEL gives a score of 0.798 which is above the threshold of >0.772, evidence that predicts a damaging effect on ABCA4 function (PP3_Moderate). There are many individuals with ABCA4-retinopathies reported with this variant. However, many of these individuals may also have the ABCA4 c.5603A>T, p.Asn1868Ile variant in cis variant. Due to its frequency in controls, many studies previously considered the p.Asn1868Ile variant to be benign and not consistently reported in the literature. Therefore, no cases were counted for the variant as the presence or absence of the p.Asn1868Ile variant could not be confirmed, and the complex allele is curated separately. The prevalence of the variant in affected individuals is significantly increased compared with the prevalence in controls; however, we confirmed with the authors that some of the affected individuals had the complex allele, so the effect of the variant alone was not considered in this calculation (PS4 not applied; PMID: 35120629). ABCA4 ATPase activity in HEK293 cells showed an approximately 75% reduction of basal and retinal-stimulated ATPase, indicating that this variant impacts protein function (PS3_Supporting; PMID: 11017087). In summary, this variant meets the criteria to be classified as a variant of uncertain significance for ABCA4-related retinopathy based on the ACMG/AMP criteria applied, as specified by the ClinGen ABCA4 VCEP (Specification Version 1): PS3_Supporting, PP3_Moderate.

Genetics Laboratory, Great Ormond Street Hospital NHS Foundation Trust, North Thames Genomic Laboratory Hub
Classification: Likely pathogenic for Retinal disorders. Last evaluated: 2026-09-21. Review status: criteria provided, single submitter. Criteria: ACGS Best Practice Guidelines for Variant Classification in Rare Disease 2024 v1.2. Collection method: clinical testing. Allele origin: germline. Affected: yes. Not counted in ClinVar's aggregate classification.
Comment: PP3_supporting, PS3_supporting, PM3_strong

CeGaT Center for Human Genetics Tuebingen
Classification: Pathogenic. Last evaluated: 2026-09-01. Review status: criteria provided, single submitter. Criteria: CeGaT Center For Human Genetics Tuebingen Variant Classification Criteria Version 2. Collection method: clinical testing. Allele origin: germline. Affected: yes. Observed: 36 variant alleles. Not counted in ClinVar's aggregate classification.
Comment: ABCA4: PM3:Very Strong, PM2:Supporting, PP3, PS3:Supporting

Institute of Human Genetics, University of Leipzig Medical Center
Classification: Uncertain significance for Severe early-childhood-onset retinal dystrophy. Last evaluated: 2026-08-20. Review status: criteria provided, single submitter. Criteria: ACMG Guidelines, 2015. Collection method: clinical testing. Allele origin: unknown. Inheritance: Autosomal recessive inheritance. Affected: yes. Not counted in ClinVar's aggregate classification.
Comment: Criteria applied: PP3_MOD,PS3_SUP; Identified as compund heterozygous with NM_000350.3:c.5603A>T

Women's Health and Genetics/Laboratory Corporation of America, LabCorp
Classification: Pathogenic for Stargardt disease. Last evaluated: 2026-06-12. Review status: criteria provided, single submitter. Criteria: LabCorp Variant Classification Summary - May 2015. Collection method: clinical testing. Allele origin: germline. Not counted in ClinVar's aggregate classification.
Comment: Variant summary: ABCA4 c.2588G>C (p.Gly863Ala) results in a non-conservative amino acid change in the encoded protein sequence. Algorithms developed to predict the effect of missense changes on protein structure and function all suggest that this variant is likely to be disruptive. Several computational tools predict a significant impact on normal splicing: Three predict the variant weakens the canonical 3' acceptor site and three predict the variant also creates a 3' acceptor site. At least one publication reports experimental evidence that this variant affects mRNA splicing (e.g. Maugeri_1999). The variant produces a mixture of two different transcripts, one where the use of a cryptic 3' acceptor site causes a 3bp deletion (resulting in deletion of Gly863), and the other unaffected by splicing (resulting in Gly863Ala). The variant allele was found at a frequency of 0.0044 in 251244 control chromosomes, predominantly at a frequency of 0.008 within the Non-Finnish European subpopulation in the gnomAD database, including 6 homozygotes. The observed variant frequency within Non-Finnish European control individuals in the gnomAD database exceeds the estimated maximal expected allele frequency for disease-causing variants in ABCA4. However, c.2588G>C has been reported in the literature in the compound heterozygous state in many individuals affected with Stargardt Disease, including in at least one family where it segregated with the disease phenotype (e.g. Maugeri_1999, Zhang_1999, Heathfield_2013, Weisschuh_2020). It has been proposed that c.2588G>C is a mild founder variant in the western European population, which causes Stargardt Disease only in combination with a severe pathogenic variant on the second allele (e.g. Maugeri_1999). Several publications report experimental evidence evaluating an impact on protein function and have found that both Gly863del and Gly863Ala reduce ATPase activity and that Glu863Ala severely impairs interaction with 11-cis-retinal (e.g. Sun_2000, Suarez_2002, Biswas-Fiss_2012). The following publications have been ascertained in the context of this evaluation (PMID: 23144455, 23695285, 10090887, 11919200, 11017087, 32531858, 10612508). ClinVar contains an entry for this variant (Variation ID: 7879). Based on the evidence outlined above, the variant was classified as pathogenic.

NM_000350.3(ABCA4):c.2588G>C (p.Gly863Ala)

Gene: ABCA4 (ATP binding cassette subfamily A member 4; minus strand). Cytogenetic location: 1p22.1.
Variant type: single nucleotide variant.
Coding change: c.2588G>C on transcript NM_000350.3 (MANE Select); coding-DNA position 2588, G replaced by C.
Protein change: p.Gly863Ala; replaces glycine 863 with alanine.
Molecular consequence: missense variant.
Genome position (GRCh38, 1-based): chr1:94,051,698, C>G on the plus strand (G>C on the coding strand, the complement: ABCA4 is on the minus strand). VCF-style: chr1-94051698-C-G. GRCh37 (hg19) VCF-style: chr1-94517254-C-G.
Other names: NM_000350.3(ABCA4):c.2588G>C; c.2366G>C, p.Gly789Ala (NM_001425324.1); short protein forms G863A, G789A.
Identifiers: ClinVar variation 7879 (VCV000007879.118), dbSNP rs76157638, ClinGen allele CA119128.
Genomic context (GRCh38, chr1:94,051,698, plus strand): 5'-CCGCCAAGCCAATACGACTCTTGTAGAAGAAAGTACCAAGGAAGTGGGGTTCCATAGTCT[C>G]CTAAAAATAGAGACAAATAAACAGAGAAAGTCGAAGGAGTCTCCCTATCCTACCTTACCG-3'
Protein context (NP_000341.2, residues 853-873): LAWYLDQVFP[Gly863Ala]DYGTPLPWYF